The following is an entry in ClinVar:

NM_002617.4(PEX10):c.268C>T (p.Leu90=)

Gene: PEX10 (peroxisomal biogenesis factor 10; minus strand). Cytogenetic location: 1p36.32.
Variant type: single nucleotide variant.
Coding change: c.268C>T on transcript NM_002617.4 (MANE Select); coding-DNA position 268, C replaced by T.
Protein change: p.Leu90=; no amino-acid change (leucine 90 retained).
Molecular consequence: synonymous variant. On other transcripts: 5 prime UTR variant (2), non-coding transcript variant (1).
Genome position (GRCh38, 1-based): chr1:2,408,784, G>A on the plus strand (C>T on the coding strand, the complement: PEX10 is on the minus strand). VCF-style: chr1-2408784-G-A. GRCh37 (hg19) VCF-style: chr1-2340223-G-A.
Other names: c.268C>T, p.Leu90= (NM_001374425.1, NM_153818.2); c.-165C>T (NM_001374426.1, NM_001374427.1).
Identifiers: ClinVar variation 497782 (VCV000497782.20), dbSNP rs775772867, ClinGen allele CA538231.

ClinVar aggregate classification (germline): Conflicting classifications of pathogenicity. Review status: criteria provided, conflicting classifications (1 of 4 stars). 6 submissions from 6 submitters: Uncertain significance (2); Likely benign (3). 1 of the submissions does not count toward it. Last evaluated 2025-10-07.

Conditions:
Zellweger spectrum disorders (ZS). Also called: Zellweger syndrome; Zellweger Spectrum Disorder (ZSD); Zellweger Spectrum Disorder; Zellweger Spectrum. Identifiers: Orphanet 912, MedGen C0043459, MONDO:0019609.
PEX10-related disorder. Also called: PEX10-related condition.
Peroxisome biogenesis disorder, complementation group 7 (CG7). Also called: Peroxisome biogenesis disorder, complementation group B. Identifiers: MedGen C1864399.
Peroxisome biogenesis disorder 6A (Zellweger). Also called: Peroxisome biogenesis disorder 6A. Identifiers: Orphanet 912, MedGen C3553947, MONDO:0013936, OMIM 614870.

Allele frequency attached by ClinVar (database versions not stated): gnomAD 0.00011; gnomAD exomes 0.00011 and 0.00019; TOPMed 0.00012; ExAC 0.00016.
gnomAD v4.1: 282 of 1,613,910 alleles (0.017%); highest among the groups gnomAD compares: Non-Finnish European, 0.023%; no homozygotes.

Submissions (6):

Labcorp Genetics (formerly Invitae), Labcorp
Classification: Likely benign for Peroxisome biogenesis disorder, complementation group 7. Last evaluated: 2025-10-07. Review status: criteria provided, single submitter. Criteria: Invitae Variant Classification Sherloc (09022015). Collection method: clinical testing. Allele origin: germline.

PreventionGenetics, part of Exact Sciences
Classification: Likely benign for PEX10-related condition. Last evaluated: 2025-09-04. Review status: criteria provided, single submitter. Criteria: ACMG Guidelines, 2015. Collection method: clinical testing. Allele origin: germline.
Comment: This variant is classified as likely benign based on ACMG/AMP sequence variant interpretation guidelines (Richards et al. 2015 PMID: 25741868, with internal and published modifications).

Blueprint Genetics
Classification: Likely benign. Last evaluated: 2024-06-14. Review status: criteria provided, single submitter. Criteria: ACMG Guidelines, 2015. Collection method: clinical testing. Allele origin: germline.

Illumina Laboratory Services, Illumina
Classification: Uncertain significance for Peroxisome biogenesis disorder 6A (Zellweger). Last evaluated: 2017-04-27. Review status: criteria provided, single submitter. Criteria: ICSL Variant Classification Criteria 13 December 2019. Collection method: clinical testing. Allele origin: germline.

Eurofins Ntd Llc (ga)
Classification: Uncertain significance. Last evaluated: 2016-10-05. Review status: criteria provided, single submitter. Criteria: EGL Classification Definitions 2015. Collection method: clinical testing. Allele origin: germline. Observed: 1 variant allele, 1 heterozygote.

Natera, Inc.
Classification: Likely benign for Zellweger syndrome. Last evaluated: 2020-09-28. Review status: no assertion criteria provided. Collection method: clinical testing. Allele origin: germline. Not counted in ClinVar's aggregate classification.